The following is an entry in ClinVar:

ClinVar aggregate classification (germline): Pathogenic (1 of 4 stars; one submission).

Conditions:
Primary ciliary dyskinesia 3. Identifiers: Orphanet 244, MedGen C1837618, MONDO:0012085, OMIM 608644.

Submission:

Myriad Genetics, Inc.
Classification: Pathogenic for Primary ciliary dyskinesia 3. Last evaluated: 2024-05-14. Review status: criteria provided, single submitter. Criteria: Myriad Autosomal Dominant, Autosomal Recessive and X-Linked Classification Criteria (2023). Collection method: clinical testing. Allele origin: unknown.
Comment: NM_001369.2(DNAH5):c.11314dupC(Q3772Pfs*8) is expected to be pathogenic in the context of primary ciliary dyskinesia, DNAH5-related. This variant is predicted to lead to an abnormal or absent protein product due to the creation of a premature termination codon in DNAH5, a gene where loss-of-function variants are known to be pathogenic. Please note: this variant was assessed in the context of healthy population screening.

NM_001369.3(DNAH5):c.11314dup (p.Gln3772fs)

Genes: DNAH5 (dynein axonemal heavy chain 5; minus strand), LOC107457585 (meiotic recombination hotspot J; plus strand). Cytogenetic location: 5p15.2.
Variant type: Duplication.
Coding change: c.11314dup on transcript NM_001369.3 (MANE Select); coding-DNA position 11314, one base duplicated (C; older notation c.11314dupC).
Protein change: p.Gln3772fs; shifts the reading frame from glutamine 3772.
Molecular consequence: frameshift variant.
Genome position (GRCh38, 1-based): chr5:13,737,393, G duplicated on the plus strand (C on the coding strand, the reverse complement: DNAH5 is on the minus strand); the first of 3 consecutive G bases (chr5:13,737,393-13,737,395); duplicating any one gives the same sequence. VCF-style (leftmost placement, unchanged base first): chr5-13737392-T-TG. GRCh37 (hg19) VCF-style: chr5-13737501-T-TG.
Other names: short protein forms Q3772fs.
Identifiers: ClinVar variation 5010656 (VCV005010656.1).